The following is an entry in ClinVar:

ClinVar aggregate classification (germline): Pathogenic (1 of 4 stars; one submission).

Conditions:
Mucopolysaccharidosis, MPS-II (MPS2). Also called: Hunter Syndrome; IDURONATE 2-SULFATASE DEFICIENCY; Mucopolysaccharidosis Type II; Mucopolysaccharidosis type 2; Attenuated MPS (subtype; formerly known as mild MPS II); Severe MPS II. Identifiers: Orphanet 580, Orphanet 79388, MedGen C0026705, MONDO:0010674, OMIM 309900.

Submission:

Laboratory of Diagnosis and Therapy of Lysosomal Disorders, University of Padova
Classification: Pathogenic for Mucopolysaccharidosis, MPS-II. Last evaluated: 2024-06-07. Review status: criteria provided, single submitter. Criteria: ACMG Guidelines, 2015. Collection method: literature only. Allele origin: germline. Affected: yes. Observed: 1 variant allele.
Comment: Null variant (PVS1_VeryStrong), Absent from controls (or at low frequency) in gnomAD database (PM2_Moderate), Patient’s phenotype or family history highly specific for the disease (PP4_Strong)

Classification method: ACMG Guidelines [PMID:25741868] with modifications

Literature cited by the submitters: PubMed 36713083.

NM_000202.8(IDS):c.794del (p.Asn265fs)

Genes: IDS (iduronate 2-sulfatase; minus strand), LOC106050102 (IDS recombination region; plus strand). Cytogenetic location: Xq28.
Variant type: Deletion.
Coding change: c.794del on transcript NM_000202.8 (MANE Select); coding-DNA position 794, one base deleted (A; older notation c.794delA).
Protein change: p.Asn265fs; shifts the reading frame from asparagine 265.
Molecular consequence: frameshift variant. On other transcripts: non-coding transcript variant (1).
Genome position (GRCh38, 1-based): chrX:149,496,431, T deleted on the plus strand (A on the coding strand, the reverse complement: IDS is on the minus strand); the first of 2 consecutive T bases (chrX:149,496,431-149,496,432); deleting either gives the same sequence. VCF-style (leftmost placement, unchanged base first): chrX-149496430-GT-G. GRCh37 (hg19) VCF-style: chrX-148577961-GT-G.
Other names: c.524del, p.Asn175fs (NM_001166550.4); c.794del, p.Asn265fs (NM_006123.5); short protein forms N175fs, N265fs.
Identifiers: ClinVar variation 3255841 (VCV003255841.2).
Genomic context (GRCh38, chrX:149,496,430, plus strand): 5'-ATACGGCACACTGATGTTTAAGGCTTGGACGTCTTCCCGTTGCCTGATGTCCATCCAGGG[GT>G]TGTAGGCCACAGGGGGTAGGCCATCAGGGACCTCGGGATCGGGGGCCAGGGTGATGTTCT-3'